The following is an entry in ClinVar:

ClinVar aggregate classification (germline): Uncertain significance (1 of 4 stars; one submission).

Conditions:
Hereditary cancer-predisposing syndrome. Also called: Hereditary neoplastic syndrome; Neoplastic Syndromes, Hereditary; Tumor predisposition; Hereditary Cancer Syndrome. Identifiers: Orphanet 140162, MedGen C0027672, MeSH D009386, MONDO:0015356.

Submission:

Ambry Genetics
Classification: Uncertain significance for Hereditary cancer-predisposing syndrome. Last evaluated: 2025-08-27. Review status: criteria provided, single submitter. Criteria: Ambry Variant Classification Scheme 2023. Collection method: clinical testing. Allele origin: germline.
Comment: The p.D105E variant (also known as c.315C>G), located in coding exon 3 of the MUTYH gene, results from a C to G substitution at nucleotide position 315. The aspartic acid at codon 105 is replaced by glutamic acid, an amino acid with highly similar properties. This amino acid position is conserved. In addition, this alteration is predicted to be deleterious by in silico analysis. Based on the available evidence, the clinical significance of this variant remains unclear.

NM_001048174.2(MUTYH):c.231C>G (p.Asp77Glu)

Gene: MUTYH (mutY DNA glycosylase; minus strand). Cytogenetic location: 1p34.1.
Variant type: single nucleotide variant.
Coding change: c.231C>G on transcript NM_001048174.2 (MANE Select); coding-DNA position 231, C replaced by G.
Protein change: p.Asp77Glu; replaces aspartic acid 77 with glutamic acid.
Molecular consequence: missense variant. On other transcripts: 5 prime UTR variant (6), non-coding transcript variant (7).
Genome position (GRCh38, 1-based): chr1:45,333,446, G>C on the plus strand (C>G on the coding strand, the complement: MUTYH is on the minus strand). VCF-style: chr1-45333446-G-C. GRCh37 (hg19) VCF-style: chr1-45799118-G-C.
Other names: c.315C>G, p.Asp105Glu (NM_001128425.2); c.276C>G, p.Asp92Glu (NM_001293190.2); c.264C>G, p.Asp88Glu (NM_001293191.2, NM_001407077.1); c.-46C>G (NM_001293192.2, NM_001293196.2, NM_001407091.1); c.231C>G, p.Asp77Glu (NM_001293195.2, NM_001407070.1, NM_001407088.1 and 6 more transcripts); c.-41C>G (NM_001350650.2, NM_001350651.2, NM_001407082.1); c.306C>G, p.Asp102Glu (NM_001407069.1, NM_012222.3); c.234C>G, p.Asp78Glu (NM_001407071.1, NM_001407086.1, NM_001048172.2 and 2 more transcripts); and 3 more; short protein forms D102E, D49E, D77E, D78E, D88E, D91E, D92E, D105E.
Identifiers: ClinVar variation 4113593 (VCV004113593.1).
Genomic context (GRCh38, chr1:45,333,446, plus strand): 5'-CACTGTCCCTGCTCCTCGCCTGCCTACCCGTCTTCTCCATGGTAGGTCCCGTTTCTCTTG[G>C]TCGTACCAGCTTAGCAGGCTCCCTCGGAAGGCTGTGACTTCAGCTACGTCTCTGAATAGA-3'
Protein context (NP_001041639.1, residues 67-87): AFRGSLLSWY[Asp77Glu]QEKRDLPWRR